The following is an entry in ClinVar:

NM_005379.4(MYO1A):c.1367A>G (p.Glu456Gly)

Gene: MYO1A (myosin IA; minus strand). Cytogenetic location: 12q13.3.
Variant type: single nucleotide variant.
Coding change: c.1367A>G on transcript NM_005379.4 (MANE Select); coding-DNA position 1367, A replaced by G.
Protein change: p.Glu456Gly; replaces glutamic acid 456 with glycine.
Molecular consequence: missense variant.
Genome position (GRCh38, 1-based): chr12:57,038,975, T>C on the plus strand (A>G on the coding strand, the complement: MYO1A is on the minus strand). VCF-style: chr12-57038975-T-C. GRCh37 (hg19) VCF-style: chr12-57432759-T-C.
Other names: c.1367A>G, p.Glu456Gly (NM_001256041.2); short protein forms E456G.
Identifiers: ClinVar variation 309914 (VCV000309914.7), dbSNP rs144075028, ClinGen allele CA6640094.

ClinVar aggregate classification (germline): Benign/Likely benign. Review status: criteria provided, multiple submitters, no conflicts (2 of 4 stars). 4 submissions from 4 submitters: Benign (3); Likely benign (1). Last evaluated 2024-10-22.

Allele frequency attached by ClinVar (database versions not stated): 1000 Genomes Project 30x 0.00297; 1000 Genomes Project 0.00300; ESP Exome Variant Server 0.00008; gnomAD exomes 0.00021 and 0.00092; gnomAD 0.00033 and 0.00050; TOPMed 0.00054; ExAC 0.00089.
gnomAD v4.1: 434 of 1,614,122 alleles (0.027%); highest among the groups gnomAD compares: East Asian, 0.7%; 1 homozygote.

Submissions (4):

Blueprint Genetics
Classification: Likely benign. Last evaluated: 2024-10-22. Review status: criteria provided, single submitter. Criteria: ACMG Guidelines, 2015. Collection method: clinical testing. Allele origin: germline.

Labcorp Genetics (formerly Invitae), Labcorp
Classification: Benign. Last evaluated: 2018-10-23. Review status: criteria provided, single submitter. Criteria: Invitae Variant Classification Sherloc (09022015). Collection method: clinical testing. Allele origin: germline.

GeneDx
Classification: Benign. Last evaluated: 2018-06-04. Review status: criteria provided, single submitter. Criteria: GeneDx Variant Classification (06012015). Collection method: clinical testing. Allele origin: germline. Affected: yes.
Comment: This variant is considered likely benign or benign based on one or more of the following criteria: it is a conservative change, it occurs at a poorly conserved position in the protein, it is predicted to be benign by multiple in silico algorithms, and/or has population frequency not consistent with disease.

Breakthrough Genomics
Classification: Benign. Review status: criteria provided, single submitter. Criteria: ACMG Guidelines, 2015. Collection method: not provided. Allele origin: germline. Inheritance: Unknown mechanism. Affected: yes.